The following is an entry in ClinVar:

NM_015909.4(NBAS):c.3707G>C (p.Arg1236Pro)

Gene: NBAS (NBAS subunit of NRZ tethering complex; minus strand). Cytogenetic location: 2p24.3.
Variant type: single nucleotide variant.
Coding change: c.3707G>C on transcript NM_015909.4 (MANE Select); coding-DNA position 3707, G replaced by C.
Protein change: p.Arg1236Pro; replaces arginine 1236 with proline.
Molecular consequence: missense variant. On other transcripts: non-coding transcript variant (1).
Genome position (GRCh38, 1-based): chr2:15,366,690, C>G on the plus strand (G>C on the coding strand, the complement: NBAS is on the minus strand). VCF-style: chr2-15366690-C-G. GRCh37 (hg19) VCF-style: chr2-15506814-C-G.
Other names: short protein forms R1236P.
Identifiers: ClinVar variation 1392732 (VCV001392732.6), dbSNP rs754435346, ClinGen allele CA345894649.

ClinVar aggregate classification (germline): Uncertain significance (1 of 4 stars; one submission).

Submission:

Labcorp Genetics (formerly Invitae), Labcorp
Classification: Uncertain significance. Last evaluated: 2022-08-16. Review status: criteria provided, single submitter. Criteria: Invitae Variant Classification Sherloc (09022015). Collection method: clinical testing. Allele origin: germline.
Comment: This sequence change replaces arginine, which is basic and polar, with proline, which is neutral and non-polar, at codon 1236 of the NBAS protein (p.Arg1236Pro). This variant is not present in population databases (gnomAD no frequency). Algorithms developed to predict the effect of missense changes on protein structure and function are either unavailable or do not agree on the potential impact of this missense change (SIFT: "Tolerated"; PolyPhen-2: "Probably Damaging"; Align-GVGD: "Class C0"). This variant has not been reported in the literature in individuals affected with NBAS-related conditions. ClinVar contains an entry for this variant (Variation ID: 1392732). In summary, the available evidence is currently insufficient to determine the role of this variant in disease. Therefore, it has been classified as a Variant of Uncertain Significance.